The following is an entry in ClinVar:

ClinVar aggregate classification (germline): Likely benign (1 of 4 stars; one submission).

Conditions:
CPE-related disorder. Also called: CPE-related condition.

gnomAD v4.1: 1 of 1,598,536 alleles (0.000063%); highest among the groups gnomAD compares: Admixed American, 0.0017%; no homozygotes.

Submission:

PreventionGenetics, part of Exact Sciences
Classification: Likely benign for CPE-related condition. Last evaluated: 2026-08-18. Review status: criteria provided, single submitter. Criteria: ACMG Guidelines, 2015. Collection method: clinical testing. Allele origin: germline.
Comment: This variant is classified as likely benign based on ACMG/AMP sequence variant interpretation guidelines (Richards et al. 2015 PMID: 25741868, with internal and published modifications).

NM_001873.4(CPE):c.504+9C>G

Gene: CPE (carboxypeptidase E; plus strand). Cytogenetic location: 4q32.3.
Variant type: single nucleotide variant.
Coding change: c.504+9C>G on transcript NM_001873.4 (MANE Select); 9 bases into the intron after coding-DNA position 504, C replaced by G.
Molecular consequence: intron variant.
Genome position (GRCh38, 1-based): chr4:165,464,595, C>G. VCF-style: chr4-165464595-C-G. GRCh37 (hg19) VCF-style: chr4-166385747-C-G.
Identifiers: ClinVar variation 4982531 (VCV004982531.1).